The following is an entry in ClinVar:

ClinVar aggregate classification (germline): Benign/Likely benign. Review status: criteria provided, multiple submitters, no conflicts (2 of 4 stars). 2 submissions from 2 submitters: Benign (1); Likely benign (1). Last evaluated 2025-06-06.

Conditions:
Supravalvar aortic stenosis (SVAS). Also called: Supravalvar aortic stenosis, Eisenberg type. Identifiers: Orphanet 3193, MedGen C0003499, MONDO:0008504, OMIM 185500, HP:0004381.

Allele frequency attached by ClinVar (database versions not stated): gnomAD 0.00002 and 0.00008; TOPMed 0.00002; gnomAD exomes 0.00009 and 0.00019; ExAC 0.00010; 1000 Genomes Project 30x 0.00047; 1000 Genomes Project 0.00060.
gnomAD v4.1: 283 of 1,614,054 alleles (0.018%); highest among the groups gnomAD compares: East Asian, 0.62%; 1 homozygote.

Submissions (2):

Labcorp Genetics (formerly Invitae), Labcorp
Classification: Benign for Supravalvar aortic stenosis. Last evaluated: 2025-06-06. Review status: criteria provided, single submitter. Criteria: Invitae Variant Classification Sherloc (09022015). Collection method: clinical testing. Allele origin: germline.

GeneDx
Classification: Likely benign. Last evaluated: 2018-05-16. Review status: criteria provided, single submitter. Criteria: GeneDx Variant Classification (06012015). Collection method: clinical testing. Allele origin: germline. Affected: yes.
Comment: This variant is considered likely benign or benign based on one or more of the following criteria: it is a conservative change, it occurs at a poorly conserved position in the protein, it is predicted to be benign by multiple in silico algorithms, and/or has population frequency not consistent with disease.

NM_000501.4(ELN):c.686-17G>A

Gene: ELN (elastin; plus strand). Cytogenetic location: 7q11.23.
Variant type: single nucleotide variant.
Coding change: c.686-17G>A on transcript NM_000501.4 (MANE Select); 17 bases into the intron before coding-DNA position 686, G replaced by A.
Molecular consequence: intron variant.
Genome position (GRCh38, 1-based): chr7:74,048,125, G>A. VCF-style: chr7-74048125-G-A. GRCh37 (hg19) VCF-style: chr7-73462455-G-A.
Other names: c.701-17G>A (NM_001081754.3, NM_001081753.3); c.686-17G>A (NM_001278939.2, NM_001278915.2, NM_001278912.2 and 1 more transcripts); c.644-17G>A (NM_001278916.2); c.578-17G>A (NM_001278913.2); c.671-17G>A (NM_001278914.2); c.656-17G>A (NM_001278917.2, NM_001081752.3); c.554-17G>A (NM_001278918.2).
Identifiers: ClinVar variation 668348 (VCV000668348.4), dbSNP rs149812011, ClinGen allele CA4292637.